The following is an entry in ClinVar:

ClinVar aggregate classification (germline): Benign. Review status: criteria provided, multiple submitters, no conflicts (2 of 4 stars). 3 submissions from 3 submitters: Benign (3). Last evaluated 2021-06-09.

Allele frequency attached by ClinVar (database versions not stated): ESP Exome Variant Server 0.04731; TOPMed 0.06068; 1000 Genomes Project 0.06070; gnomAD exomes 0.07918 and 0.07777; ExAC 0.09334; gnomAD 0.06060 and 0.06175; 1000 Genomes Project 30x 0.05996.
gnomAD v4.1: 53,550 of 723,098 alleles (7.4%); highest among the groups gnomAD compares: Admixed American, 11%; 2,294 homozygotes.

Submissions (3):

GeneDx
Classification: Benign. Last evaluated: 2021-06-09. Review status: criteria provided, single submitter. Criteria: GeneDx Variant Classification Process June 2021. Collection method: clinical testing. Allele origin: germline. Affected: yes.

Laboratory for Molecular Medicine, Mass General Brigham Personalized Medicine
Classification: Benign. Last evaluated: 2013-02-21. Review status: criteria provided, single submitter. Criteria: LMM Criteria. Collection method: clinical testing. Allele origin: germline. Observed: 27 variant alleles.
Comment: Thr241Thr in exon 7 of MUC5B: This variant is not expected to have clinical sign ificance because it does not alter an amino acid residue and is not located with in the splice consensus sequence. It has been identified in 6.0% (483/8038) of E uropean American chromosomes from a broad population by the NHLBI Exome Sequenci ng Project (dbSNP rs2075855).

Breakthrough Genomics
Classification: Benign. Review status: criteria provided, single submitter. Criteria: ACMG Guidelines, 2015. Collection method: not provided. Allele origin: germline. Inheritance: Autosomal dominant inheritance. Affected: yes.

NM_002458.3(MUC5B):c.723G>A (p.Thr241=)

Gene: MUC5B (mucin 5B, oligomeric mucus/gel-forming; plus strand). Cytogenetic location: 11p15.5.
Variant type: single nucleotide variant.
Coding change: c.723G>A on transcript NM_002458.3 (MANE Select); coding-DNA position 723, G replaced by A.
Protein change: p.Thr241=; no amino-acid change (threonine 241 retained).
Molecular consequence: synonymous variant.
Genome position (GRCh38, 1-based): chr11:1,227,730, G>A. VCF-style: chr11-1227730-G-A. GRCh37 (hg19) VCF-style: chr11-1248960-G-A.
Identifiers: ClinVar variation 178783 (VCV000178783.8), dbSNP rs2075855, ClinGen allele CA183031.